The following is an entry in ClinVar:

NM_004999.4(MYO6):c.2818C>T (p.Arg940Cys)

Gene: MYO6 (myosin VI; plus strand). Cytogenetic location: 6q14.1.
Variant type: single nucleotide variant.
Coding change: c.2818C>T on transcript NM_004999.4 (MANE Select); coding-DNA position 2818, C replaced by T.
Protein change: p.Arg940Cys; replaces arginine 940 with cysteine.
Molecular consequence: missense variant. On other transcripts: non-coding transcript variant (1).
Genome position (GRCh38, 1-based): chr6:75,890,216, C>T. VCF-style: chr6-75890216-C-T. GRCh37 (hg19) VCF-style: chr6-76599933-C-T.
Other names: c.2818C>T, p.Arg940Cys (NM_001300899.2, NM_001368136.1, NM_001368137.1 and 2 more transcripts); c.2803C>T, p.Arg935Cys (NM_001368138.1); short protein forms R940C, R935C.
Identifiers: ClinVar variation 357999 (VCV000357999.39), dbSNP rs200205409, ClinGen allele CA3897462.

ClinVar aggregate classification (germline): Uncertain significance. Review status: criteria provided, multiple submitters, no conflicts (2 of 4 stars). 8 submissions from 7 submitters: Uncertain significance (8). Last evaluated 2026-06-01.

Conditions:
Inborn genetic diseases. Identifiers: MedGen C0950123, MeSH D030342.
Autosomal dominant nonsyndromic hearing loss 22. Also called: DFNA 22; Autosomal dominant nonsyndromic deafness 22. Identifiers: Orphanet 228012, MedGen C2931767, MONDO:0011660, OMIM 606346.
Autosomal recessive nonsyndromic hearing loss 37. Identifiers: Orphanet 90636, MedGen C1843028, MONDO:0011912, OMIM 607821.

Allele frequency attached by ClinVar (database versions not stated): gnomAD 0.00006; ESP Exome Variant Server 0.00008; TOPMed 0.00017; 1000 Genomes Project 30x 0.00031; 1000 Genomes Project 0.00040.
gnomAD v4.1: 322 of 1,610,088 alleles (0.02%); highest among the groups gnomAD compares: Non-Finnish European, 0.026%; no homozygotes.

Submissions (8):

CeGaT Center for Human Genetics Tuebingen
Classification: Uncertain significance. Last evaluated: 2026-06-01. Review status: criteria provided, single submitter. Criteria: CeGaT Center For Human Genetics Tuebingen Variant Classification Criteria Version 2. Collection method: clinical testing. Allele origin: germline. Affected: yes. Observed: 2 variant alleles.
Comment: MYO6: PM2

Labcorp Genetics (formerly Invitae), Labcorp
Classification: Uncertain significance. Last evaluated: 2024-06-20. Review status: criteria provided, single submitter. Criteria: Invitae Variant Classification Sherloc (09022015). Collection method: clinical testing. Allele origin: germline.
Comment: This sequence change replaces arginine, which is basic and polar, with cysteine, which is neutral and slightly polar, at codon 940 of the MYO6 protein (p.Arg940Cys). This variant is present in population databases (rs200205409, gnomAD 0.02%). This variant has not been reported in the literature in individuals affected with MYO6-related conditions. ClinVar contains an entry for this variant (Variation ID: 357999). Advanced modeling of protein sequence and biophysical properties (such as structural, functional, and spatial information, amino acid conservation, physicochemical variation, residue mobility, and thermodynamic stability) performed at Invitae indicates that this missense variant is not expected to disrupt MYO6 protein function with a negative predictive value of 80%. In summary, the available evidence is currently insufficient to determine the role of this variant in disease. Therefore, it has been classified as a Variant of Uncertain Significance.

GeneDx
Classification: Uncertain significance. Last evaluated: 2024-01-19. Review status: criteria provided, single submitter. Criteria: GeneDx Variant Classification Process June 2021. Collection method: clinical testing. Allele origin: germline.
Comment: In silico analysis supports that this missense variant has a deleterious effect on protein structure/function; Has not been previously published as pathogenic or benign to our knowledge

Ambry Genetics
Classification: Uncertain significance for Inborn genetic diseases. Last evaluated: 2021-08-17. Review status: criteria provided, single submitter. Criteria: Ambry Variant Classification Scheme 2023. Collection method: clinical testing. Allele origin: germline.

Illumina Laboratory Services, Illumina
Classification: Uncertain significance for Autosomal recessive nonsyndromic hearing loss 37. Last evaluated: 2018-01-12. Review status: criteria provided, single submitter. Criteria: ICSL Variant Classification Criteria 13 December 2019. Collection method: clinical testing. Allele origin: germline.

Illumina Laboratory Services, Illumina
Classification: Uncertain significance for Autosomal dominant nonsyndromic hearing loss 22. Last evaluated: 2018-01-12. Review status: criteria provided, single submitter. Criteria: ICSL Variant Classification Criteria 13 December 2019. Collection method: clinical testing. Allele origin: germline.

Laboratory for Molecular Medicine, Mass General Brigham Personalized Medicine
Classification: Uncertain significance. Last evaluated: 2017-09-14. Review status: criteria provided, single submitter. Criteria: LMM Criteria. Collection method: clinical testing. Allele origin: germline. Observed: 2 variant alleles.
Comment: The p.Arg940Cys variant in MYO6 has not been previously reported in individuals hearing loss, but has been identified in 29/ 126304 of European chromosomes by t he Genome Aggregation Database (gnomAD; dbSNP rs200205409). Although this variant has been seen in the general population, its frequency is not high enough to rule out a pathogenic role. Computational predi ction tools and conservation analyses suggest that this variant may impact the p rotein, though this information is not predictive enough to determine pathogenic ity. In summary, the clinical significance of the p.Arg940Cys variant is uncerta in.

ARUP Laboratories, Molecular Genetics and Genomics, ARUP Laboratories
Classification: Uncertain significance. Last evaluated: 2017-08-25. Review status: criteria provided, single submitter. Criteria: ARUP Molecular Germline Variant Investigation Process. Collection method: clinical testing. Allele origin: germline.
Comment: The p.Arg940Cys variant (rs200205409) has not been reported in the medical literature nor has it been previously identified in our laboratory. The p.Arg940Cys variant is listed in the Genome Aggregation Database (gnomAD) browser with an allele frequency of 0.023% in the non-Finnish European population (identified in 29 out of 126,304 chromosomes), and is classified as a variant of uncertain significance in ClinVar (Variant ID: 357999). The arginine at codon 940 is moderately conserved considering 13 species (Alamut software v2.9), and computational analyses predict conflicting effects of this variant on protein structure/function (SIFT: damaging, PolyPhen2: benign, MutationTaster: disease causing). Based on the available information, the clinical significance of the p.Arg940Cys variant cannot be determined with certainty.